The following is an entry in ClinVar:

NM_001378213.1(BCL9L):c.4020G>A (p.Gln1340=)

Gene: BCL9L (BCL9 like; minus strand). Cytogenetic location: 11q23.3.
Variant type: single nucleotide variant.
Coding change: c.4020G>A on transcript NM_001378213.1 (MANE Select); coding-DNA position 4020, G replaced by A.
Protein change: p.Gln1340=; no amino-acid change (glutamine 1340 retained).
Molecular consequence: synonymous variant. On other transcripts: non-coding transcript variant (1).
Genome position (GRCh38, 1-based): chr11:118,898,895, C>T on the plus strand (G>A on the coding strand, the complement: BCL9L is on the minus strand). VCF-style: chr11-118898895-C-T. GRCh37 (hg19) VCF-style: chr11-118769604-C-T.
Other names: c.3909G>A, p.Gln1303= (NM_001378214.1); c.4020G>A, p.Gln1340= (NM_182557.4).
Identifiers: ClinVar variation 402413 (VCV000402413.5), dbSNP rs61751532, ClinGen allele CA6309057.
Genomic context (GRCh38, chr11:118,898,895, plus strand): 5'-CATGAGATGCAGATTAGGGGGCTGAGCCTTGGGGGGCTGGTTCTCGCTCTTGGGGAAGTA[C>T]TGGAGGGTGCTGCTTGGCTTCTCAGAGGGGATGATCCTCGACAAGTCGAACTCGGGGATC-3'
Protein context (NP_001365142.1, residues 1330-1350): IPSEKPSSTL[Gln1340=]YFPKSENQPP

ClinVar aggregate classification (germline): Benign. Review status: criteria provided, multiple submitters, no conflicts (2 of 4 stars). 2 submissions from 2 submitters: Benign (2). Last evaluated 2016-03-29.

Allele frequency attached by ClinVar (database versions not stated): 1000 Genomes Project 0.02456; 1000 Genomes Project 30x 0.02483; TOPMed 0.04792; gnomAD exomes 0.05352 and 0.07620; gnomAD 0.05419 and 0.05636; ExAC 0.05474; ESP Exome Variant Server 0.06189.
gnomAD v4.1: 118,983 of 1,613,746 alleles (7.4%); highest among the groups gnomAD compares: Non-Finnish European, 8.8%; 5,209 homozygotes.

Submissions (2):

Laboratory for Molecular Medicine, Mass General Brigham Personalized Medicine
Classification: Benign. Last evaluated: 2016-03-29. Review status: criteria provided, single submitter. Criteria: LMM Criteria. Collection method: clinical testing. Allele origin: germline.
Comment: Variant identified in a genome or exome case(s) and assessed due to predicted null impact of the variant or pathogenic assertions in the literature or databases. Disclaimer: This variant has not undergone full assessment. The following are preliminary notes: Frequency

Breakthrough Genomics
Classification: Benign. Review status: criteria provided, single submitter. Criteria: ACMG Guidelines, 2015. Collection method: not provided. Allele origin: germline. Inheritance: Unknown mechanism. Affected: yes.